The following is an entry in ClinVar:

ClinVar aggregate classification (germline): Uncertain significance (1 of 4 stars; one submission).

gnomAD v4.1: 1 of 1,603,402 alleles (0.000062%); highest among the groups gnomAD compares: Non-Finnish European, 0.000085%; no homozygotes.

Submission:

Ambry Genetics
Classification: Uncertain significance. Last evaluated: 2024-03-17. Review status: criteria provided, single submitter. Criteria: Ambry Variant Classification Scheme 2023. Collection method: clinical testing. Allele origin: germline.
Comment: The p.S940I variant (also known as c.2819G>T), located in coding exon 16 of the POLQ gene, results from a G to T substitution at nucleotide position 2819. The serine at codon 940 is replaced by isoleucine, an amino acid with dissimilar properties. This amino acid position is conserved. In addition, this alteration is predicted to be tolerated by in silico analysis. Based on the available evidence, the clinical significance of this alteration remains unclear.

NM_199420.4(POLQ):c.2819G>T (p.Ser940Ile)

Gene: POLQ (DNA polymerase theta; minus strand). Cytogenetic location: 3q13.33.
Variant type: single nucleotide variant.
Coding change: c.2819G>T on transcript NM_199420.4 (MANE Select); coding-DNA position 2819, G replaced by T.
Protein change: p.Ser940Ile; replaces serine 940 with isoleucine.
Molecular consequence: missense variant.
Genome position (GRCh38, 1-based): chr3:121,490,112, C>A on the plus strand (G>T on the coding strand, the complement: POLQ is on the minus strand). VCF-style: chr3-121490112-C-A. GRCh37 (hg19) VCF-style: chr3-121208959-C-A.
Other names: short protein forms S940I.
Identifiers: ClinVar variation 3308584 (VCV003308584.1).